The following is an entry in ClinVar:

ClinVar aggregate classification (germline): Likely benign (1 of 4 stars; one submission).

Submission:

CeGaT Center for Human Genetics Tuebingen
Classification: Likely benign. Last evaluated: 2026-05-01. Review status: criteria provided, single submitter. Criteria: CeGaT Center For Human Genetics Tuebingen Variant Classification Criteria Version 2. Collection method: clinical testing. Allele origin: germline. Affected: yes. Observed: 1 variant allele.
Comment: KIAA0586: PM2:Supporting, BP4, BP7

NM_001329943.3(KIAA0586):c.1416T>G (p.Val472=)

Gene: KIAA0586 (KIAA0586; plus strand). Cytogenetic location: 14q23.1.
Variant type: single nucleotide variant.
Coding change: c.1416T>G on transcript NM_001329943.3 (MANE Select); coding-DNA position 1416, T replaced by G.
Protein change: p.Val472=; no amino-acid change (valine 472 retained).
Molecular consequence: synonymous variant.
Genome position (GRCh38, 1-based): chr14:58,457,812, T>G. VCF-style: chr14-58457812-T-G. GRCh37 (hg19) VCF-style: chr14-58924530-T-G.
Other names: c.1575T>G, p.Val525= (NM_001244189.2); c.1371T>G, p.Val457= (NM_001244190.2); c.1161T>G, p.Val387= (NM_001244191.2, NM_001329945.2, NM_001364700.1 and 1 more transcripts); c.1284T>G, p.Val428= (NM_001244192.2); c.996T>G, p.Val332= (NM_001244193.2); c.1416T>G, p.Val472= (NM_001329944.2, NM_001329946.2, NM_001329947.2 and 1 more transcripts).
Identifiers: ClinVar variation 4873382 (VCV004873382.2).